The following is an entry in ClinVar:

ClinVar aggregate classification (germline): Likely benign (1 of 4 stars; one submission).

Allele frequency attached by ClinVar (database versions not stated): ExAC 0.00011; ESP Exome Variant Server 0.00170.

Submission:

CeGaT Center for Human Genetics Tuebingen
Classification: Likely benign. Last evaluated: 2026-03-01. Review status: criteria provided, single submitter. Criteria: CeGaT Center For Human Genetics Tuebingen Variant Classification Criteria Version 2. Collection method: clinical testing. Allele origin: germline. Affected: yes. Observed: 13 variant alleles.
Comment: HLA-DRB1: BP4

NM_002124.4(HLA-DRB1):c.779A>C (p.Gln260Pro)

Gene: HLA-DRB1 (major histocompatibility complex, class II, DR beta 1; minus strand). Cytogenetic location: 6p21.32.
Variant type: single nucleotide variant.
Coding change: c.779A>C on transcript NM_002124.4 (MANE Select); coding-DNA position 779, A replaced by C.
Protein change: p.Gln260Pro; replaces glutamine 260 with proline.
Molecular consequence: missense variant.
Genome position (GRCh38, 1-based): chr6:32,580,255, T>G on the plus strand (A>C on the coding strand, the complement: HLA-DRB1 is on the minus strand). VCF-style: chr6-32580255-T-G. GRCh37 (hg19) VCF-style: chr6-32548032-T-G.
Other names: short protein forms Q260P.
Identifiers: ClinVar variation 2656458 (VCV002656458.24), dbSNP rs17887154, ClinGen allele CA3742753.